The following is an entry in ClinVar:

ClinVar aggregate classification (germline): Uncertain significance (1 of 4 stars; one submission).

Submission:

Labcorp Genetics (formerly Invitae), Labcorp
Classification: Uncertain significance. Last evaluated: 2023-08-09. Review status: criteria provided, single submitter. Criteria: Invitae Variant Classification Sherloc (09022015). Collection method: clinical testing. Allele origin: germline.
Comment: This sequence change replaces asparagine, which is neutral and polar, with aspartic acid, which is acidic and polar, at codon 722 of the MYLK3 protein (p.Asn722Asp). This variant is not present in population databases (gnomAD no frequency). This variant has not been reported in the literature in individuals affected with MYLK3-related conditions. ClinVar contains an entry for this variant (Variation ID: 1972221). An algorithm developed to predict the effect of missense changes on protein structure and function (PolyPhen-2) suggests that this variant is likely to be disruptive. In summary, the available evidence is currently insufficient to determine the role of this variant in disease. Therefore, it has been classified as a Variant of Uncertain Significance.

NM_182493.3(MYLK3):c.2164A>G (p.Asn722Asp)

Gene: MYLK3 (myosin light chain kinase 3; minus strand). Cytogenetic location: 16q11.2.
Variant type: single nucleotide variant.
Coding change: c.2164A>G on transcript NM_182493.3 (MANE Select); coding-DNA position 2164, A replaced by G.
Protein change: p.Asn722Asp; replaces asparagine 722 with aspartic acid.
Molecular consequence: missense variant.
Genome position (GRCh38, 1-based): chr16:46,710,740, T>C on the plus strand (A>G on the coding strand, the complement: MYLK3 is on the minus strand). VCF-style: chr16-46710740-T-C. GRCh37 (hg19) VCF-style: chr16-46744652-T-C.
Other names: c.1141A>G, p.Asn381Asp (NM_001308301.1); short protein forms N381D, N722D.
Identifiers: ClinVar variation 1972221 (VCV001972221.5), dbSNP rs2548898083, ClinGen allele CA395786785.